The following is an entry in ClinVar:

NM_005751.5(AKAP9):c.587T>C (p.Phe196Ser)

Gene: AKAP9 (A-kinase anchoring protein 9; plus strand). Cytogenetic location: 7q21.2.
Variant type: single nucleotide variant.
Coding change: c.587T>C on transcript NM_005751.5 (MANE Select); coding-DNA position 587, T replaced by C.
Protein change: p.Phe196Ser; replaces phenylalanine 196 with serine.
Molecular consequence: missense variant.
Genome position (GRCh38, 1-based): chr7:91,994,631, T>C. VCF-style: chr7-91994631-T-C. GRCh37 (hg19) VCF-style: chr7-91623945-T-C.
Other names: c.587T>C, p.Phe196Ser (NM_147185.3); short protein forms F196S.
Identifiers: ClinVar variation 2626296 (VCV002626296.4), dbSNP rs548992583, ClinGen allele CA161902777.

ClinVar aggregate classification (germline): Uncertain significance. Review status: criteria provided, multiple submitters, no conflicts (2 of 4 stars). 2 submissions from 2 submitters: Uncertain significance (2). Last evaluated 2024-04-01.

Conditions:
Cardiovascular phenotype. Identifiers: MedGen CN230736.
Long QT syndrome (LQTS). Identifiers: MedGen C0023976, MeSH D008133, MONDO:0002442. Disease mechanism: loss of function. Inheritance: Various modes of inheritance.

Allele frequency attached by ClinVar (database versions not stated): gnomAD exomes below 0.00001; TOPMed below 0.00001; gnomAD 0.00001; 1000 Genomes Project 30x 0.00016; 1000 Genomes Project 0.00020.
gnomAD v4.1: 3 of 1,612,380 alleles (0.00019%); highest among the groups gnomAD compares: African/African-American, 0.004%; no homozygotes.

Submissions (2):

Labcorp Genetics (formerly Invitae), Labcorp
Classification: Uncertain significance for Long QT syndrome. Last evaluated: 2024-04-01. Review status: criteria provided, single submitter. Criteria: Invitae Variant Classification Sherloc (09022015). Collection method: clinical testing. Allele origin: germline.
Comment: This sequence change replaces phenylalanine, which is neutral and non-polar, with serine, which is neutral and polar, at codon 196 of the AKAP9 protein (p.Phe196Ser). This variant is present in population databases (rs548992583, gnomAD 0.007%). This variant has not been reported in the literature in individuals affected with AKAP9-related conditions. ClinVar contains an entry for this variant (Variation ID: 2626296). An algorithm developed to predict the effect of missense changes on protein structure and function (PolyPhen-2) suggests that this variant is likely to be disruptive. In summary, the available evidence is currently insufficient to determine the role of this variant in disease. Therefore, it has been classified as a Variant of Uncertain Significance.

Ambry Genetics
Classification: Uncertain significance for Cardiovascular phenotype. Last evaluated: 2023-08-25. Review status: criteria provided, single submitter. Criteria: Ambry Variant Classification Scheme 2023. Collection method: clinical testing. Allele origin: germline.
Comment: The p.F196S variant (also known as c.587T>C), located in coding exon 6 of the AKAP9 gene, results from a T to C substitution at nucleotide position 587. The phenylalanine at codon 196 is replaced by serine, an amino acid with highly dissimilar properties. This amino acid position is highly conserved in available vertebrate species. In addition, this alteration is predicted to be deleterious by in silico analysis. The evidence for this gene-disease relationship is limited; therefore, the clinical significance of this alteration is unclear.